The following is an entry in ClinVar:

NM_001164508.2(NEB):c.1949G>A (p.Cys650Tyr)

Gene: NEB (nebulin; minus strand). Cytogenetic location: 2q23.3.
Variant type: single nucleotide variant.
Coding change: c.1949G>A on transcript NM_001164508.2 (MANE Select); coding-DNA position 1949, G replaced by A.
Protein change: p.Cys650Tyr; replaces cysteine 650 with tyrosine.
Molecular consequence: missense variant.
Genome position (GRCh38, 1-based): chr2:151,692,310, C>T on the plus strand (G>A on the coding strand, the complement: NEB is on the minus strand). VCF-style: chr2-151692310-C-T. GRCh37 (hg19) VCF-style: chr2-152548824-C-T.
Other names: c.1949G>A, p.Cys650Tyr (NM_001164507.2, NM_001271208.2, NM_004543.5); c.1949G>A (NM_004543.4); short protein forms C650Y.
Identifiers: ClinVar variation 2203613 (VCV002203613.2), dbSNP rs201065426, ClinGen allele CA1911387.
Genomic context (GRCh38, chr2:151,692,310, plus strand): 5'-GCTTTTCGAACCTCACTGAAGTTCTTCAGCTGAGTATCAAGTTGATATTTTGGGGTCTCA[C>T]AGTAATTCATACTCTTTGCCTTTGTCTTCTCATAGTTTTCCTTGTATAATCTCTGTTAAA-3'
Protein context (NP_001157980.2, residues 640-660): EKTKAKSMNY[Cys650Tyr]ETPKYQLDTQ

ClinVar aggregate classification (germline): Uncertain significance. Review status: criteria provided, multiple submitters, no conflicts (2 of 4 stars). 2 submissions from 2 submitters: Uncertain significance (2). Last evaluated 2024-08-11.

Conditions:
Nemaline myopathy 2 (NEM2). Also called: Nemaline myopathy 2, autosomal recessive. Identifiers: MedGen C1850569, MONDO:0009725, OMIM 256030.
Inborn genetic diseases. Identifiers: MedGen C0950123, MeSH D030342.

Allele frequency attached by ClinVar (database versions not stated): gnomAD exomes below 0.00001; ExAC 0.00001; gnomAD 0.00003; TOPMed 0.00003; 1000 Genomes Project 30x 0.00016; 1000 Genomes Project 0.00020.
gnomAD v4.1: 9 of 1,613,774 alleles (0.00056%); highest among the groups gnomAD compares: Admixed American, 0.0067%; no homozygotes.

Submissions (2):

Ambry Genetics
Classification: Uncertain significance for Inborn genetic diseases. Last evaluated: 2024-08-11. Review status: criteria provided, single submitter. Criteria: Ambry Variant Classification Scheme 2023. Collection method: clinical testing. Allele origin: germline.

Labcorp Genetics (formerly Invitae), Labcorp
Classification: Uncertain significance for Nemaline myopathy 2. Last evaluated: 2022-05-27. Review status: criteria provided, single submitter. Criteria: Invitae Variant Classification Sherloc (09022015). Collection method: clinical testing. Allele origin: germline.
Comment: This sequence change replaces cysteine, which is neutral and slightly polar, with tyrosine, which is neutral and polar, at codon 650 of the NEB protein (p.Cys650Tyr). This variant is not present in population databases (gnomAD no frequency). This variant has not been reported in the literature in individuals affected with NEB-related conditions. Algorithms developed to predict the effect of missense changes on protein structure and function are either unavailable or do not agree on the potential impact of this missense change (SIFT: "Deleterious"; PolyPhen-2: "Not Available"; Align-GVGD: "Class C0"). In summary, the available evidence is currently insufficient to determine the role of this variant in disease. Therefore, it has been classified as a Variant of Uncertain Significance.